The following is an entry in ClinVar:

ClinVar aggregate classification (germline): Uncertain significance. Review status: criteria provided, multiple submitters, no conflicts (2 of 4 stars). 4 submissions from 4 submitters: Uncertain significance (3). 1 of the submissions does not count toward it. Last evaluated 2025-03-31.

Conditions:
Retinal dystrophy. Also called: Inherited retinal dystrophy. Identifiers: Orphanet 71862, MedGen C0854723, MeSH D058499, MONDO:0019118, HP:0000556.

Allele frequency attached by ClinVar (database versions not stated): ExAC 0.00001; gnomAD 0.00001; gnomAD exomes 0.00001; TOPMed 0.00004.
gnomAD v4.1: 22 of 1,613,390 alleles (0.0014%); highest among the groups gnomAD compares: African/African-American, 0.0067%; no homozygotes.

Submissions (4):

Labcorp Genetics (formerly Invitae), Labcorp
Classification: Uncertain significance. Last evaluated: 2025-03-31. Review status: criteria provided, single submitter. Criteria: Invitae Variant Classification Sherloc (09022015). Collection method: clinical testing. Allele origin: germline.
Comment: This sequence change replaces histidine, which is basic and polar, with arginine, which is basic and polar, at codon 229 of the SEMA4A protein (p.His229Arg). This variant is present in population databases (rs773774359, gnomAD 0.006%). This variant has not been reported in the literature in individuals affected with SEMA4A-related conditions. ClinVar contains an entry for this variant (Variation ID: 853339). An algorithm developed to predict the effect of missense changes on protein structure and function (PolyPhen-2) suggests that this variant is likely to be tolerated. In summary, the available evidence is currently insufficient to determine the role of this variant in disease. Therefore, it has been classified as a Variant of Uncertain Significance.

Blueprint Genetics
Classification: Uncertain significance. Last evaluated: 2024-09-24. Review status: criteria provided, single submitter. Criteria: ACMG Guidelines, 2015. Collection method: clinical testing. Allele origin: germline.

Ambry Genetics
Classification: Uncertain significance. Last evaluated: 2024-05-16. Review status: criteria provided, single submitter. Criteria: Ambry Variant Classification Scheme 2023. Collection method: clinical testing. Allele origin: germline.

Institute of Human Genetics, Univ. Regensburg, Univ. Regensburg
Classification: Uncertain significance for Retinal dystrophy. Last evaluated: 2020-01-01. Review status: no assertion criteria provided. Criteria: ACMG Guidelines, 2015. Collection method: clinical testing. Allele origin: germline. Affected: yes. Not counted in ClinVar's aggregate classification.

NM_022367.4(SEMA4A):c.686A>G (p.His229Arg)

Gene: SEMA4A (semaphorin 4A; plus strand). Cytogenetic location: 1q22.
Variant type: single nucleotide variant.
Coding change: c.686A>G on transcript NM_022367.4 (MANE Select); coding-DNA position 686, A replaced by G.
Protein change: p.His229Arg; replaces histidine 229 with arginine.
Molecular consequence: missense variant.
Genome position (GRCh38, 1-based): chr1:156,160,905, A>G. VCF-style: chr1-156160905-A-G. GRCh37 (hg19) VCF-style: chr1-156130696-A-G.
Other names: c.686A>G, p.His229Arg (NM_001193300.2, NM_001193301.2, NM_001370567.1); c.290A>G, p.His97Arg (NM_001193302.2); c.389A>G, p.His130Arg (NM_001370568.1); c.179A>G, p.His60Arg (NM_001370569.1, NM_001370571.1); short protein forms H130R, H229R, H97R, H60R.
Identifiers: ClinVar variation 853339 (VCV000853339.10), dbSNP rs773774359, ClinGen allele CA1155129.
Genomic context (GRCh38, chr1:156,160,905, plus strand): 5'-CAGGCAAACCCAGGGCATGCAGGGGCTCAGTCCCTAAGCCCATCTGCCCCTCCCCCGCAG[A>G]TGACGCCTCCTTTGTGGCAGCCATCCCTTCGACCCAGGTCGTCTACTTCTTCTTCGAGGA-3'
Protein context (NP_071762.2, residues 219-239): KTDNFLRWLH[His229Arg]DASFVAAIPS